The following is an entry in ClinVar:

ClinVar aggregate classification (germline): Uncertain significance (1 of 4 stars; one submission).

Submission:

GeneDx
Classification: Uncertain significance. Last evaluated: 2024-11-13. Review status: criteria provided, single submitter. Criteria: GeneDx Variant Classification Process June 2021. Collection method: clinical testing. Allele origin: germline. Affected: yes.
Comment: Not observed at significant frequency in large population cohorts (gnomAD); Frameshift variant predicted to result in protein truncation or nonsense mediated decay in a gene or region of a gene for which loss of function is not a well-established mechanism of disease; Has not been previously published as pathogenic or benign to our knowledge; Variants in candidate genes are classified as variants of uncertain significance in accordance with ACMG guidelines (PMID: 25741868)

NM_024721.5(ZFHX4):c.4315del (p.Ala1439fs)

Gene: ZFHX4 (zinc finger homeobox 4; plus strand). Cytogenetic location: 8q21.13.
Variant type: Deletion.
Coding change: c.4315del on transcript NM_024721.5 (MANE Select); coding-DNA position 4315, one base deleted (G; older notation c.4315delG).
Protein change: p.Ala1439fs; shifts the reading frame from alanine 1439.
Molecular consequence: frameshift variant.
Genome position (GRCh38, 1-based): chr8:76,851,236, G deleted; the last of 2 consecutive G bases (chr8:76,851,235-76,851,236); deleting either gives the same sequence. VCF-style (leftmost placement, unchanged base first): chr8-76851234-AG-A. GRCh37 (hg19) VCF-style: chr8-77763470-AG-A.
Other names: c.4237del, p.Ala1413fs (NM_001410934.1); short protein forms A1413fs, A1439fs.
Identifiers: ClinVar variation 3900310 (VCV003900310.1).